The following is an entry in ClinVar:

NM_001372.4(DNAH9):c.7408C>T (p.Arg2470Trp)

Gene: DNAH9 (dynein axonemal heavy chain 9; plus strand). Cytogenetic location: 17p12.
Variant type: single nucleotide variant.
Coding change: c.7408C>T on transcript NM_001372.4 (MANE Select); coding-DNA position 7408, C replaced by T.
Protein change: p.Arg2470Trp; replaces arginine 2470 with tryptophan.
Molecular consequence: missense variant.
Genome position (GRCh38, 1-based): chr17:11,769,185, C>T. VCF-style: chr17-11769185-C-T. GRCh37 (hg19) VCF-style: chr17-11672502-C-T.
Other names: short protein forms R2470W.
Identifiers: ClinVar variation 1967734 (VCV001967734.4), dbSNP rs777792290, ClinGen allele CA8396625.
Genomic context (GRCh38, chr17:11,769,185, plus strand): 5'-TGTTTGGTGCACACGAGTGAGACCATCCGTGTGTGCTACTTCATGGAGCGGTTGATGGCG[C>T]GGCAGCGGCCTGTCATGCTGGTGGGCACGGCTGGCACTGGCAAGTCGGTGCTGGTGGGAG-3'
Protein context (NP_001363.2, residues 2460-2480): VCYFMERLMA[Arg2470Trp]QRPVMLVGTA

ClinVar aggregate classification (germline): Uncertain significance. Review status: criteria provided, multiple submitters, no conflicts (2 of 4 stars). 2 submissions from 2 submitters: Uncertain significance (2). Last evaluated 2025-10-27.

Conditions:
Inborn genetic diseases. Identifiers: MedGen C0950123, MeSH D030342.

Allele frequency attached by ClinVar (database versions not stated): TOPMed 0.00001; ExAC 0.00002; gnomAD exomes 0.00002; gnomAD 0.00003.
gnomAD v4.1: 42 of 1,614,208 alleles (0.0026%); highest among the groups gnomAD compares: Middle Eastern, 0.016%; no homozygotes.

Submissions (2):

Labcorp Genetics (formerly Invitae), Labcorp
Classification: Uncertain significance. Last evaluated: 2025-10-27. Review status: criteria provided, single submitter. Criteria: Invitae Variant Classification Sherloc (09022015). Collection method: clinical testing. Allele origin: germline.
Comment: This sequence change replaces arginine, which is basic and polar, with tryptophan, which is neutral and slightly polar, at codon 2470 of the DNAH9 protein (p.Arg2470Trp). This variant is present in population databases (rs777792290, gnomAD 0.01%). This variant has not been reported in the literature in individuals affected with DNAH9-related conditions. ClinVar contains an entry for this variant (Variation ID: 1967734). Invitae Evidence Modeling of protein sequence and biophysical properties (such as structural, functional, and spatial information, amino acid conservation, physicochemical variation, residue mobility, and thermodynamic stability) indicates that this missense variant is expected to disrupt DNAH9 protein function with a positive predictive value of 80%. In summary, the available evidence is currently insufficient to determine the role of this variant in disease. Therefore, it has been classified as a Variant of Uncertain Significance.

Ambry Genetics
Classification: Uncertain significance for Inborn genetic diseases. Last evaluated: 2021-07-15. Review status: criteria provided, single submitter. Criteria: Ambry Variant Classification Scheme 2023. Collection method: clinical testing. Allele origin: germline.